The following is an entry in ClinVar:

ClinVar aggregate classification (germline): Pathogenic. Review status: criteria provided, multiple submitters, no conflicts (2 of 4 stars). 8 submissions from 8 submitters: Pathogenic (6). 2 of the submissions do not count toward it. Last evaluated 2024-08-19.

Conditions:
COL4A5-related disorder. Also called: COL4A5-related condition.
COL4A5-related disorders.
Inborn genetic diseases. Identifiers: MedGen C0950123, MeSH D030342.
Alport syndrome. Also called: Hemorrhagic familial nephritis; Hemorrhagic hereditary nephritis; Congenital hereditary hematuria. Identifiers: Orphanet 63, MedGen C1567741, MONDO:0018965.
X-linked Alport syndrome (ATS1). Also called: COL4A5-Related Nephropathy; NEPHROPATHY AND DEAFNESS, X-LINKED. Identifiers: Orphanet 63, Orphanet 88917, MedGen C4746986, MONDO:0010520, OMIM 301050.

Submissions (8):

Labcorp Genetics (formerly Invitae), Labcorp
Classification: Pathogenic. Last evaluated: 2024-08-19. Review status: criteria provided, single submitter. Criteria: Invitae Variant Classification Sherloc (09022015). Collection method: clinical testing. Allele origin: germline.
Comment: This sequence change replaces glycine, which is neutral and non-polar, with aspartic acid, which is acidic and polar, at codon 409 of the COL4A5 protein (p.Gly409Asp). This variant is not present in population databases (gnomAD no frequency). This missense change has been observed in individual(s) with Alport syndrome (PMID: 8651296, 25572247). It has also been observed to segregate with disease in related individuals. ClinVar contains an entry for this variant (Variation ID: 24386). Invitae Evidence Modeling of protein sequence and biophysical properties (such as structural, functional, and spatial information, amino acid conservation, physicochemical variation, residue mobility, and thermodynamic stability) indicates that this missense variant is expected to disrupt COL4A5 protein function with a positive predictive value of 95%. This variant disrupts the triple helix domain of COL4A5. Glycine residues within the Gly-Xaa-Yaa repeats of the triple helix domain are required for the structure and stability of fibrillar collagens (PMID: 7695699, 8218237, 19344236). In COL4A5, missense variants at these glycine residues are significantly enriched in individuals with disease (PMID: 23720012, 27627812) compared to the general population (ExAC). For these reasons, this variant has been classified as Pathogenic.

Ambry Genetics
Classification: Pathogenic for Inborn genetic diseases. Last evaluated: 2024-08-13. Review status: criteria provided, single submitter. Criteria: Ambry Variant Classification Scheme 2023. Collection method: clinical testing. Allele origin: germline.
Comment: The c.1226G>A (p.G409D) alteration is located in exon 20 (coding exon 20) of the COL4A5 gene. This alteration results from a G to A substitution at nucleotide position 1226, causing the glycine (G) at amino acid position 409 to be replaced by an aspartic acid (D). This variant was not reported in population-based cohorts in the Genome Aggregation Database (gnomAD). This variant was reported in multiple individuals with features consistent with Alport syndrome (Renieri, 1996; Mallett, 2017; Mansilla, 2021; Lujinschi, 2024) and this variant segregated with disease in one family (Zholdybayeva, 2014). This amino acid position is highly conserved in available vertebrate species. This alteration is predicted to be deleterious by in silico analysis. Based on the available evidence, this alteration is classified as pathogenic.

Institute of Medical Genetics and Applied Genomics, University Hospital Tübingen
Classification: Pathogenic for X-linked Alport syndrome. Last evaluated: 2023-12-01. Review status: criteria provided, single submitter. Criteria: ACMG Guidelines, 2015. Collection method: clinical testing. Allele origin: germline. Affected: yes.

Precision Medicine Center, Zhengzhou University
Classification: Pathogenic for X-linked Alport syndrome. Last evaluated: 2023-12-01. Review status: criteria provided, single submitter. Criteria: ACMG Guidelines, 2015. Collection method: clinical testing. Allele origin: maternal. Affected: yes.
Comment: PM1_strong,PM2_p,PM5_strong,PP3_strong

Blueprint Genetics
Classification: Pathogenic for COL4A5-related disorders. Last evaluated: 2020-09-24. Review status: criteria provided, single submitter. Criteria: ACMG Guidelines, 2015. Collection method: clinical testing. Allele origin: germline. Affected: yes. Observed: 2 variant alleles.

Neuberg Centre For Genomic Medicine, NCGM
Classification: Pathogenic for X-linked Alport syndrome. Review status: criteria provided, single submitter. Criteria: ACMG Guidelines, 2015. Collection method: clinical testing. Allele origin: germline. Inheritance: X-linked dominant inheritance. Affected: yes.
Comment: The missense c.1226G>A p.Gly409Asp variant in COL4A5 gene has been reported in multiple individuals affected with Alport syndrome Yeo J et al. 2020; Gillion V et al. 2018; Mansilla MA et al. 2021. It has also been observed to segregate with disease in related individuals. The p.Gly409Asp variant is novel not in any individuals in gnomAD Exomes and 1000 Genomes. This variant has been reported to the ClinVar database as Pathogenic multiple submiters. The amino acid change p.Gly409Asp in COL4A5 is predicted as conserved by GERP++ and PhyloP across 100 vertebrates. The amino acid Gly at position 409 is changed to a Asp changing protein sequence and it might alter its composition and physico-chemical properties. For these reasons, this variant has been classified as Pathogenic.

PreventionGenetics, part of Exact Sciences
Classification: Pathogenic for COL4A5-related condition. Last evaluated: 2024-01-11. Review status: no assertion criteria provided. Collection method: clinical testing. Allele origin: germline. Not counted in ClinVar's aggregate classification.
Comment: The COL4A5 c.1226G>A variant is predicted to result in the amino acid substitution p.Gly409Asp. This variant was reported in an individual with Alport syndrome (Renieri et al 1996. PubMed ID: 8651296). This variant was also reported to segregate in a large family in individuals with features of COL4A5-related disorders (Zholdybayeva EV et al 2014. PubMed ID: 25572247). The p.Gly409 residue resides in the triple-helical region (residues 42 – 1456) of the COL4A5 protein. The majority of pathogenic variants in COL4A5 substitute a glycine residue to a bulkier amino acid in the triple-helical domain (Hudson et al. 1993. PubMed ID: 8253711). This variant has not been reported in a large population database, indicating this variant is rare. This variant is interpreted as pathogenic.

Sydney Genome Diagnostics, Children's Hospital Westmead
Classification: Pathogenic for Alport syndrome. Last evaluated: 2018-09-06. Review status: no assertion criteria provided. Collection method: clinical testing. Allele origin: unknown. Affected: yes. Observed: 1 variant allele, 1 heterozygote. Not counted in ClinVar's aggregate classification.
Comment: This variant results in substitution of one of the invariant glycine residues in the triple helical domain of type IV collagen and is considered to be pathogenic. This variant has been reported as pathogenic in the COL4A5 Alport database.

Literature cited by the submitters: PubMed 8651296 (cited by 3 submitters); PubMed 25572247 (cited by Labcorp Genetics (formerly Invitae), Labcorp and Ambry Genetics); PubMed 7695699 (cited by Labcorp Genetics (formerly Invitae), Labcorp); PubMed 8218237 (cited by Labcorp Genetics (formerly Invitae), Labcorp); PubMed 19344236 (cited by Labcorp Genetics (formerly Invitae), Labcorp); PubMed 23720012 (cited by Labcorp Genetics (formerly Invitae), Labcorp); PubMed 27627812 (cited by Labcorp Genetics (formerly Invitae), Labcorp); PubMed 8648925 (cited by Ambry Genetics); PubMed 28844315 (cited by Ambry Genetics); PubMed 31738409 (cited by Ambry Genetics); PubMed 38790222 (cited by Ambry Genetics).

NM_033380.3(COL4A5):c.1226G>A (p.Gly409Asp)

Gene: COL4A5 (collagen type IV alpha 5 chain; plus strand). Cytogenetic location: Xq22.3.
Variant type: single nucleotide variant.
Coding change: c.1226G>A on transcript NM_033380.3 (MANE Select); coding-DNA position 1226, G replaced by A.
Protein change: p.Gly409Asp; replaces glycine 409 with aspartic acid.
Molecular consequence: missense variant.
Genome position (GRCh38, 1-based): chrX:108,591,118, G>A. VCF-style: chrX-108591118-G-A. GRCh37 (hg19) VCF-style: chrX-107834348-G-A.
Other names: c.1226G>A, p.Gly409Asp (NM_000495.5); short protein forms G409D.
Identifiers: ClinVar variation 24386 (VCV000024386.19), dbSNP rs104886101, ClinGen allele CA258437.